The following is an entry in ClinVar:

NM_001349253.2(SCN11A):c.5227del (p.Ala1743fs)

Gene: SCN11A (sodium voltage-gated channel alpha subunit 11; minus strand). Cytogenetic location: 3p22.2.
Variant type: Deletion.
Coding change: c.5227del on transcript NM_001349253.2 (MANE Select); coding-DNA position 5227, one base deleted (G; older notation c.5227delG).
Protein change: p.Ala1743fs; shifts the reading frame from alanine 1743.
Molecular consequence: frameshift variant.
Genome position (GRCh38, 1-based): chr3:38,846,843, C deleted on the plus strand (G on the coding strand, the reverse complement: SCN11A is on the minus strand); the first of 2 consecutive C bases (chr3:38,846,843-38,846,844); deleting either gives the same sequence. VCF-style (leftmost placement, unchanged base first): chr3-38846842-GC-G. GRCh37 (hg19) VCF-style: chr3-38888333-GC-G.
Other names: c.5227del, p.Ala1743fs (NM_014139.3); short protein forms A1743fs.
Identifiers: ClinVar variation 1402599 (VCV001402599.8), dbSNP rs759524863, ClinGen allele CA2321371.

ClinVar aggregate classification (germline): Uncertain significance (1 of 4 stars; one submission).

Conditions:
Hereditary sensory and autonomic neuropathy type 7. Also called: Neuropathy, hereditary sensory and autonomic, type VII; HSAN VII. Identifiers: Orphanet 391397, MedGen C3809882, MONDO:0014244, OMIM 615548.
Familial episodic pain syndrome with predominantly lower limb involvement. Also called: Episodic pain syndrome, familial, 3. Identifiers: Orphanet 391384, Orphanet 391392, MedGen C3809899, MONDO:0014247, OMIM 615552.

Submission:

Labcorp Genetics (formerly Invitae), Labcorp
Classification: Uncertain significance for Familial episodic pain syndrome with predominantly lower limb involvement; Hereditary sensory and autonomic neuropathy type 7. Last evaluated: 2021-05-08. Review status: criteria provided, single submitter. Criteria: Invitae Variant Classification Sherloc (09022015). Collection method: clinical testing. Allele origin: germline.
Comment: This variant has not been reported in the literature in individuals with SCN11A-related conditions. This variant is present in population databases (rs759524863, ExAC 0.01%). This sequence change creates a premature translational stop signal (p.Ala1743Profs*6) in the SCN11A gene. While this is not anticipated to result in nonsense mediated decay, it is expected to disrupt the last 49 amino acid(s) of the SCN11A protein. Algorithms developed to predict the effect of sequence changes on RNA splicing suggest that this variant may create or strengthen a splice site, but this prediction has not been confirmed by published transcriptional studies. In summary, the available evidence is currently insufficient to determine the role of this variant in disease. Therefore, it has been classified as a Variant of Uncertain Significance.